The following is an entry in ClinVar:

ClinVar aggregate classification (germline): Conflicting classifications of pathogenicity. Review status: criteria provided, conflicting classifications (1 of 4 stars). 5 submissions from 5 submitters: Uncertain significance (4); Likely benign (1). Last evaluated 2026-07-02.

Conditions:
Inborn genetic diseases. Identifiers: MedGen C0950123, MeSH D030342.
Microcephaly 5, primary, autosomal recessive (MCPH5). Also called: ASPM Primary Microcephaly. Identifiers: Orphanet 2512, MedGen C1837501, MONDO:0012106, OMIM 608716.

Allele frequency attached by ClinVar (database versions not stated): ExAC 0.00007; gnomAD exomes 0.00009; gnomAD 0.00029 and 0.00026; TOPMed 0.00034; ESP Exome Variant Server 0.00046.
gnomAD v4.1: 116 of 1,613,042 alleles (0.0072%); highest among the groups gnomAD compares: African/African-American, 0.099%; no homozygotes.

Submissions (5):

Ambry Genetics
Classification: Likely benign for Inborn genetic diseases. Last evaluated: 2026-07-02. Review status: criteria provided, single submitter. Criteria: Ambry Variant Classification Scheme 2023. Collection method: clinical testing. Allele origin: germline.

Labcorp Genetics (formerly Invitae), Labcorp
Classification: Uncertain significance. Last evaluated: 2025-01-06. Review status: criteria provided, single submitter. Criteria: Invitae Variant Classification Sherloc (09022015). Collection method: clinical testing. Allele origin: germline.
Comment: This sequence change replaces arginine, which is basic and polar, with cysteine, which is neutral and slightly polar, at codon 1633 of the ASPM protein (p.Arg1633Cys). This variant is present in population databases (rs200202166, gnomAD 0.04%). This variant has not been reported in the literature in individuals affected with ASPM-related conditions. ClinVar contains an entry for this variant (Variation ID: 1329787). Invitae Evidence Modeling of protein sequence and biophysical properties (such as structural, functional, and spatial information, amino acid conservation, physicochemical variation, residue mobility, and thermodynamic stability) indicates that this missense variant is not expected to disrupt ASPM protein function with a negative predictive value of 80%. In summary, the available evidence is currently insufficient to determine the role of this variant in disease. Therefore, it has been classified as a Variant of Uncertain Significance.

Women's Health and Genetics/Laboratory Corporation of America, LabCorp
Classification: Uncertain significance. Last evaluated: 2024-06-21. Review status: criteria provided, single submitter. Criteria: LabCorp Variant Classification Summary - May 2015. Collection method: clinical testing. Allele origin: germline.
Comment: Variant summary: ASPM c.4897C>T (p.Arg1633Cys) results in a non-conservative amino acid change in the encoded protein sequence. Three of five in-silico tools predict a damaging effect of the variant on protein function. The variant allele was found at a frequency of 9.2e-05 in 249446 control chromosomes, predominantly at a frequency of 0.00069 within the African or African-American subpopulation in the gnomAD database. This frequency is not significantly higher than estimated for a pathogenic variant in ASPM causing Primary microcephaly, allowing no conclusion about variant significance. To our knowledge, no occurrence of c.4897C>T in individuals affected with Primary microcephaly and no experimental evidence demonstrating its impact on protein function have been reported. ClinVar contains an entry for this variant (Variation ID: 1329787). Based on the evidence outlined above, the variant was classified as uncertain significance.

Genome-Nilou Lab
Classification: Uncertain significance for Microcephaly 5, primary, autosomal recessive. Last evaluated: 2023-04-11. Review status: criteria provided, single submitter. Criteria: ACMG Guidelines, 2015. Collection method: clinical testing. Allele origin: germline. Affected: no.

GeneDx
Classification: Uncertain significance. Last evaluated: 2021-06-21. Review status: criteria provided, single submitter. Criteria: GeneDx Variant Classification Process June 2021. Collection method: clinical testing. Allele origin: germline. Affected: yes.
Comment: In silico analysis supports that this missense variant has a deleterious effect on protein structure/function; Missense variant in a gene in which most reported pathogenic variants are truncating/loss-of-function; Has not been previously published as pathogenic or benign to our knowledge; This variant is associated with the following publications: (PMID: 27535533)

NM_018136.5(ASPM):c.4897C>T (p.Arg1633Cys)

Gene: ASPM (assembly factor for spindle microtubules; minus strand). Cytogenetic location: 1q31.3.
Variant type: single nucleotide variant.
Coding change: c.4897C>T on transcript NM_018136.5 (MANE Select); coding-DNA position 4897, C replaced by T.
Protein change: p.Arg1633Cys; replaces arginine 1633 with cysteine.
Molecular consequence: missense variant. On other transcripts: intron variant (1).
Genome position (GRCh38, 1-based): chr1:197,104,354, G>A on the plus strand (C>T on the coding strand, the complement: ASPM is on the minus strand). VCF-style: chr1-197104354-G-A. GRCh37 (hg19) VCF-style: chr1-197073484-G-A.
Other names: c.4066-8190C>T (NM_001206846.2); short protein forms R1633C.
Identifiers: ClinVar variation 1329787 (VCV001329787.8), dbSNP rs200202166, ClinGen allele CA1309847.